The following is an entry in ClinVar:

NM_001256545.2(MEGF10):c.2330G>A (p.Arg777His)

Gene: MEGF10 (multiple EGF like domains 10; plus strand). Cytogenetic location: 5q23.2.
Variant type: single nucleotide variant.
Coding change: c.2330G>A on transcript NM_001256545.2 (MANE Select); coding-DNA position 2330, G replaced by A.
Protein change: p.Arg777His; replaces arginine 777 with histidine.
Molecular consequence: missense variant.
Genome position (GRCh38, 1-based): chr5:127,440,835, G>A. VCF-style: chr5-127440835-G-A. GRCh37 (hg19) VCF-style: chr5-126776527-G-A.
Other names: c.2330G>A, p.Arg777His (NM_032446.3); short protein forms R777H.
Identifiers: ClinVar variation 522774 (VCV000522774.16), dbSNP rs565304206, ClinGen allele CA3391901.

ClinVar aggregate classification (germline): Uncertain significance. Review status: criteria provided, multiple submitters, no conflicts (2 of 4 stars). 4 submissions from 4 submitters: Uncertain significance (4). Last evaluated 2023-09-08.

Conditions:
MEGF10-related myopathy (CMYO10A). Also called: Congenital myopathy 10A, severe variant. Identifiers: Orphanet 439212, MedGen C3280679, MONDO:0013731, OMIM 614399.

Allele frequency attached by ClinVar (database versions not stated): gnomAD 0.00005 and 0.00007; TOPMed 0.00005; gnomAD exomes 0.00009; ExAC 0.00015; 1000 Genomes Project 30x 0.00078; 1000 Genomes Project 0.00080.
gnomAD v4.1: 92 of 1,614,104 alleles (0.0057%); highest among the groups gnomAD compares: Middle Eastern, 0.18%; no homozygotes.

Submissions (4):

Labcorp Genetics (formerly Invitae), Labcorp
Classification: Uncertain significance for MEGF10-related myopathy. Last evaluated: 2023-09-08. Review status: criteria provided, single submitter. Criteria: Invitae Variant Classification Sherloc (09022015). Collection method: clinical testing. Allele origin: germline.
Comment: This sequence change replaces arginine, which is basic and polar, with histidine, which is basic and polar, at codon 777 of the MEGF10 protein (p.Arg777His). This variant is present in population databases (rs565304206, gnomAD 0.02%). This variant has not been reported in the literature in individuals affected with MEGF10-related conditions. ClinVar contains an entry for this variant (Variation ID: 522774). An algorithm developed to predict the effect of missense changes on protein structure and function (PolyPhen-2) suggests that this variant is likely to be disruptive. In summary, the available evidence is currently insufficient to determine the role of this variant in disease. Therefore, it has been classified as a Variant of Uncertain Significance.

GeneDx
Classification: Uncertain significance. Last evaluated: 2022-01-26. Review status: criteria provided, single submitter. Criteria: GeneDx Variant Classification Process June 2021. Collection method: clinical testing. Allele origin: germline. Affected: yes.
Comment: In silico analysis supports that this missense variant has a deleterious effect on protein structure/function; Has not been previously published as pathogenic or benign to our knowledge

Illumina Laboratory Services, Illumina
Classification: Uncertain significance for MEGF10-related myopathy. Last evaluated: 2018-01-13. Review status: criteria provided, single submitter. Criteria: ICSL Variant Classification Criteria 13 December 2019. Collection method: clinical testing. Allele origin: germline.

Genomic Research Center, Shahid Beheshti University of Medical Sciences
Classification: Uncertain significance for MEGF10-related myopathy. Last evaluated: 2017-12-03. Review status: criteria provided, single submitter. Criteria: ACMG Guidelines, 2015. Collection method: clinical testing. Allele origin: inherited.